The following is an entry in ClinVar:

NM_130384.3(ATRIP):c.1745G>C (p.Arg582Thr)

Genes: ATRIP-TREX1 (ATRIP-TREX1 readthrough; plus strand), ATRIP (ATR interacting protein; plus strand). Cytogenetic location: 3p21.31.
Variant type: single nucleotide variant.
Coding change: c.1745G>C on transcript NM_130384.3 (MANE Select); coding-DNA position 1745, G replaced by C.
Protein change: p.Arg582Thr; replaces arginine 582 with threonine.
Molecular consequence: missense variant. On other transcripts: non-coding transcript variant (1).
Genome position (GRCh38, 1-based): chr3:48,460,799, G>C. VCF-style: chr3-48460799-G-C. GRCh37 (hg19) VCF-style: chr3-48502198-G-C.
Other names: c.1745G>C, p.Arg582Thr (NM_032166.4); c.1364G>C, p.Arg455Thr (NM_001271022.2); c.1466G>C, p.Arg489Thr (NM_001271023.2); short protein forms R455T, R582T, R489T.
Identifiers: ClinVar variation 5032398 (VCV005032398.1).

ClinVar aggregate classification (germline): Uncertain significance (1 of 4 stars; one submission).

gnomAD v4.1: 2 of 1,592,740 alleles (0.00013%); highest among the groups gnomAD compares: Non-Finnish European, 0.000086%; no homozygotes.

Submission:

Ambry Genetics
Classification: Uncertain significance. Last evaluated: 2026-06-17. Review status: criteria provided, single submitter. Criteria: Ambry Variant Classification Scheme 2023. Collection method: clinical testing. Allele origin: germline.
Comment: The c.1745G>C variant (also known as p.R582T), located in coding exon 8 of the ATRIP gene, results from a G to C substitution at nucleotide position 1745. The amino acid change results in arginine to threonine at codon 582, an amino acid with similar properties. However, this change occurs in the last base pair of coding exon 8, which makes it likely to have some effect on normal mRNA splicing. This nucleotide position is highly conserved in available vertebrate species. This amino acid position is well conserved in available vertebrate species. In silico splice site analysis predicts that this alteration will weaken the native splice donor site. In addition, this alteration is predicted to be deleterious by in silico analysis. The evidence for this gene-disease relationship is limited; therefore, the clinical significance of this variant is unclear.